The following is an entry in ClinVar:

NM_178822.5(IGSF10):c.3167C>T (p.Ala1056Val)

Gene: IGSF10 (immunoglobulin superfamily member 10; minus strand). Cytogenetic location: 3q25.1.
Variant type: single nucleotide variant.
Coding change: c.3167C>T on transcript NM_178822.5 (MANE Select); coding-DNA position 3167, C replaced by T.
Protein change: p.Ala1056Val; replaces alanine 1056 with valine.
Molecular consequence: missense variant.
Genome position (GRCh38, 1-based): chr3:151,446,814, G>A on the plus strand (C>T on the coding strand, the complement: IGSF10 is on the minus strand). VCF-style: chr3-151446814-G-A. GRCh37 (hg19) VCF-style: chr3-151164602-G-A.
Other names: c.3167C>T, p.Ala1056Val (NM_001385060.1, NM_001385061.1, NM_001385062.1 and 1 more transcripts); short protein forms A1056V.
Identifiers: ClinVar variation 3678779 (VCV003678779.2).

ClinVar aggregate classification (germline): Uncertain significance (1 of 4 stars; one submission).

gnomAD v4.1: 7 of 1,613,986 alleles (0.00043%); highest among the groups gnomAD compares: Admixed American, 0.0017%; no homozygotes.

Submission:

Labcorp Genetics (formerly Invitae), Labcorp
Classification: Uncertain significance. Last evaluated: 2025-10-13. Review status: criteria provided, single submitter. Criteria: Invitae Variant Classification Sherloc (09022015). Collection method: clinical testing. Allele origin: germline.
Comment: This sequence change replaces alanine, which is neutral and non-polar, with valine, which is neutral and non-polar, at codon 1056 of the IGSF10 protein (p.Ala1056Val). This variant is not present in population databases (gnomAD no frequency). This variant has not been reported in the literature in individuals affected with IGSF10-related conditions. ClinVar contains an entry for this variant (Variation ID: 3678779). An algorithm developed to predict the effect of missense changes on protein structure and function (PolyPhen-2) suggests that this variant is likely to be disruptive. In summary, the available evidence is currently insufficient to determine the role of this variant in disease. Therefore, it has been classified as a Variant of Uncertain Significance.